The following is an entry in ClinVar:

NM_001385641.1(SAMD11):c.1553+2_1554-34del

Gene: SAMD11 (sterile alpha motif domain containing 11; plus strand). Cytogenetic location: 1p36.33.
Variant type: Deletion.
Coding change: c.1553+2_1554-34del on transcript NM_001385641.1 (MANE Select); the canonical splice donor site of the intron after coding-DNA position 1553 through 34 bases into the intron before coding-DNA position 1554, 36 bases deleted.
Molecular consequence: splice donor variant.
Genome position (GRCh38, 1-based): chr1:942,490-942,525, 36 bases deleted; deleting any 36 consecutive bases within chr1:942,483-942,525 gives the same sequence; the c. name uses the placement nearest the transcript's 3' end. GRCh37 (hg19): chr1:877,870-877,905.
Other names: c.1556+2_1557-34del (NM_001385640.1); c.1064+2_1065-34del (NM_152486.4).
Identifiers: ClinVar variation 2981164 (VCV002981164.3), dbSNP rs1336675631, ClinGen allele CA740509095.

ClinVar aggregate classification (germline): Uncertain significance (1 of 4 stars; one submission).

Submission:

Labcorp Genetics (formerly Invitae), Labcorp
Classification: Uncertain significance. Last evaluated: 2025-03-31. Review status: criteria provided, single submitter. Criteria: Invitae Variant Classification Sherloc (09022015). Collection method: clinical testing. Allele origin: germline.
Comment: This sequence change affects a splice site in intron 10 of the SAMD11 gene. It is expected to disrupt RNA splicing. Variants that disrupt the donor or acceptor splice site typically lead to a loss of protein function (PMID: 16199547), however the current clinical and genetic evidence is not sufficient to establish whether loss-of-function variants in SAMD11 cause disease. This variant is not present in population databases (gnomAD no frequency). This variant has not been reported in the literature in individuals affected with SAMD11-related conditions. ClinVar contains an entry for this variant (Variation ID: 2981164). Experimental studies and prediction algorithms are not available or were not evaluated, and the effect of this variant on mRNA splicing is currently unknown. In summary, the available evidence is currently insufficient to determine the role of this variant in disease. Therefore, it has been classified as a Variant of Uncertain Significance.

Literature cited by the submitters: PubMed 16199547.